The following is an entry in ClinVar:

NM_004539.4(NARS1):c.94-2A>T

Gene: NARS1 (asparaginyl-tRNA synthetase 1; minus strand). Cytogenetic location: 18q21.31.
Variant type: single nucleotide variant.
Coding change: c.94-2A>T on transcript NM_004539.4 (MANE Select); the canonical splice acceptor site of the intron before coding-DNA position 94, A replaced by T.
Molecular consequence: splice acceptor variant.
Genome position (GRCh38, 1-based): chr18:57,615,977, T>A on the plus strand (A>T on the coding strand, the complement: NARS1 is on the minus strand). VCF-style: chr18-57615977-T-A. GRCh37 (hg19) VCF-style: chr18-55283209-T-A.
Identifiers: ClinVar variation 2574745 (VCV002574745.2), dbSNP rs1908012802, ClinGen allele CA402554270.

ClinVar aggregate classification (germline): Uncertain significance (1 of 4 stars; one submission).

Submission:

GeneDx
Classification: Uncertain significance. Last evaluated: 2026-08-15. Review status: criteria provided, single submitter. Criteria: GeneDx Variant Classification Process June 2021. Collection method: clinical testing. Allele origin: germline.
Comment: Not observed at significant frequency in large population cohorts (gnomAD); Canonical splice site variant with an unclear effect on protein function; Has not been previously published as pathogenic or benign to our knowledge